The following is an entry in ClinVar:

ClinVar aggregate classification (germline): not provided (0 of 4 stars; one submission).

Allele frequency attached by ClinVar (database versions not stated): gnomAD exomes below 0.00001.

Submission:

ITMI
No classification provided. Condition: AllHighlyPenetrant. Last evaluated: 2013-09-19. Review status: no classification provided. Collection method: reference population. Allele origin: germline.
Comment: Please see associated publication for description of ethnicities

Literature cited by the submitters: PubMed 24728327.

NM_000377.3(WAS):c.194C>G (p.Thr65Ser)

Gene: WAS (WASP actin nucleation promoting factor; plus strand). Cytogenetic location: Xp11.23.
Variant type: single nucleotide variant.
Coding change: c.194C>G on transcript NM_000377.3 (MANE Select); coding-DNA position 194, C replaced by G.
Protein change: p.Thr65Ser; replaces threonine 65 with serine.
Molecular consequence: missense variant.
Genome position (GRCh38, 1-based): chrX:48,684,344, C>G. VCF-style: chrX-48684344-C-G. GRCh37 (hg19) VCF-style: chrX-48542733-C-G.
Other names: short protein forms T65S.
Identifiers: ClinVar variation 135412 (VCV000135412.1), dbSNP rs797044478, ClinGen allele CA162681.